The following is an entry in ClinVar:

NM_002900.3(RBP3):c.1857C>T (p.Ala619=)

Gene: RBP3 (retinol binding protein 3; plus strand). Cytogenetic location: 10q11.22.
Variant type: single nucleotide variant.
Coding change: c.1857C>T on transcript NM_002900.3 (MANE Select); coding-DNA position 1857, C replaced by T.
Protein change: p.Ala619=; no amino-acid change (alanine 619 retained).
Molecular consequence: synonymous variant.
Genome position (GRCh38, 1-based): chr10:47,350,341, C>T. VCF-style: chr10-47350341-C-T. GRCh37 (hg19) VCF-style: chr10-48389021-G-A.
Other names: c.1857C>T (NM_002900.2).
Identifiers: ClinVar variation 1535152 (VCV001535152.11), dbSNP rs782455598, ClinGen allele CA469782077.

ClinVar aggregate classification (germline): Conflicting classifications of pathogenicity. Review status: criteria provided, conflicting classifications (1 of 4 stars). 4 submissions from 4 submitters: Uncertain significance (1); Likely benign (2). 1 of the submissions does not count toward it. Last evaluated 2023-10-13.

Conditions:
Retinal dystrophy. Also called: Inherited retinal dystrophy. Identifiers: Orphanet 71862, MedGen C0854723, MeSH D058499, MONDO:0019118, HP:0000556.
RBP3-related disorder. Also called: RBP3-related condition.

Allele frequency attached by ClinVar (database versions not stated): gnomAD 0.00001.
gnomAD v4.1: 6 of 1,611,752 alleles (0.00037%); highest among the groups gnomAD compares: South Asian, 0.0055%; 1 homozygote.

Submissions (4):

Labcorp Genetics (formerly Invitae), Labcorp
Classification: Likely benign. Last evaluated: 2023-10-13. Review status: criteria provided, single submitter. Criteria: Invitae Variant Classification Sherloc (09022015). Collection method: clinical testing. Allele origin: germline.

Dept Of Ophthalmology, Nagoya University
Classification: Uncertain significance for Retinal dystrophy. Last evaluated: 2023-10-01. Review status: criteria provided, single submitter. Criteria: Submitter's publication. Collection method: research. Allele origin: germline. Affected: yes.

Blueprint Genetics
Classification: Likely benign. Last evaluated: 2022-10-11. Review status: criteria provided, single submitter. Criteria: ACMG Guidelines, 2015. Collection method: clinical testing. Allele origin: germline.

PreventionGenetics, part of Exact Sciences
Classification: Likely benign for RBP3-related condition. Last evaluated: 2019-02-22. Review status: no assertion criteria provided. Collection method: clinical testing. Allele origin: germline. Not counted in ClinVar's aggregate classification.
Comment: This variant is classified as likely benign based on ACMG/AMP sequence variant interpretation guidelines (Richards et al. 2015 PMID: 25741868, with internal and published modifications).